The following is an entry in ClinVar:

NM_000070.3(CAPN3):c.2148G>T (p.Glu716Asp)

Gene: CAPN3 (calpain 3; plus strand). Cytogenetic location: 15q15.1.
Variant type: single nucleotide variant.
Coding change: c.2148G>T on transcript NM_000070.3 (MANE Select); coding-DNA position 2148, G replaced by T.
Protein change: p.Glu716Asp; replaces glutamic acid 716 with aspartic acid.
Molecular consequence: missense variant.
Genome position (GRCh38, 1-based): chr15:42,410,460, G>T. VCF-style: chr15-42410460-G-T. GRCh37 (hg19) VCF-style: chr15-42702658-G-T.
Other names: NM_000070.3(CAPN3):c.2148G>T; p.Glu716Asp; c.2130G>T, p.Glu710Asp (NM_024344.2); c.1872G>T, p.Glu624Asp (NM_173087.2); c.612G>T, p.Glu204Asp (NM_173088.2); c.153G>T, p.Glu51Asp (NM_173089.2, NM_173090.2); short protein forms E716D, E204D, E710D, E51D, E624D.
Identifiers: ClinVar variation 285340 (VCV000285340.26), dbSNP rs770894443, ClinGen allele CA10605085.
Genomic context (GRCh38, chr15:42,410,460, plus strand): 5'-CTGTGTAGCCCTGACCTCCCTCCTCCAGACAGATGGCTCTGGAAAGCTCAACCTGCAGGA[G>T]TTCCACCACCTCTGGAACAAGATTAAGGCCTGGCAGGTGGGAAGAGAAAATGAAGCGTGG-3'
Protein context (NP_000061.1, residues 706-726): TDGSGKLNLQ[Glu716Asp]FHHLWNKIKA

ClinVar aggregate classification (germline): Pathogenic. Review status: reviewed by expert panel (3 of 4 stars). 10 submissions from 10 submitters: Pathogenic (1). 9 of the submissions do not count toward it. Last evaluated 2025-06-25.

Conditions:
Muscular dystrophy, limb-girdle, autosomal dominant 4. Also called: Calpain-3-related limb-girdle muscular dystrophy D4; MUSCULAR DYSTROPHY, LIMB-GIRDLE, TYPE 1I. Identifiers: Orphanet 565909, MedGen C4748295, MONDO:0029133, OMIM 618129.
Autosomal recessive limb-girdle muscular dystrophy type 2A (LGMDR1). Also called: Calpainopathy; MUSCULAR DYSTROPHY, PELVOFEMORAL; Limb-girdle muscular dystrophy, type 2A; Muscular dystrophy, limb-girdle, type 2A, Amish; LEYDEN-MOEBIUS MUSCULAR DYSTROPHY. Identifiers: Orphanet 267, MedGen C1869123, MONDO:0009675, OMIM 253600. Disease mechanism: loss of function.
Autosomal recessive limb-girdle muscular dystrophy. Identifiers: Orphanet 102015, MedGen C2931907, MONDO:0015152.

gnomAD v4.1: 4 of 1,614,146 alleles (0.00025%); highest among the groups gnomAD compares: Non-Finnish European, 0.00034%; no homozygotes.

Submissions (10):

ClinGen Limb Girdle Muscular Dystrophy Variant Curation Expert Panel, ClinGen
Classification: Pathogenic for Autosomal recessive limb-girdle muscular dystrophy. Last evaluated: 2025-06-25. Review status: reviewed by expert panel. Criteria: ClinGen LGMD VCEP ACMG Specifications CAPN3 V1.0.0. Collection method: curation. Allele origin: germline. Inheritance: Autosomal recessive inheritance.
Comment: The NM_000070.3: c.2148G>T variant in CAPN3 is a missense variant predicted to cause the substitution of glutamic acid to aspartic acid at codon 716, p.(Glu716Asp). This variant has been reported in at least five individuals with features consistent with LGMD (PMID: 15689361, 32994280, 37526466; LOVD CAPN3_000296), including in a homozygous state in one patient without reported familial consanguinity (0.5 pts; PMID: 15689361, LOVD Individual #00311346), confirmed in trans with a likely pathogenic or pathogenic variant (c.1401_1403del p.(Glu467del), 1.0 pt, PMID: 37526466), and in unknown phase with a pathogenic variant (c.967G>T p.(Glu323Ter), 0.5 pts, PMID: 15689361) (PM3_Strong). At least one patient with this variant and a second presumed diagnostic variant in CAPN3 had both a clinical diagnosis of LGMD and absent calpain-3 protein expression in skeletal muscle, which is highly specific for CAPN3-related LGMD (PMID: 15689361; PP4_Strong). The filtering allele frequency for this variant is 0.000008232 (the upper threshold of the 95% CI of 4/11112002 European (non-Finnish) exome chromosomes in gnomAD v4.1.0), which is less than the LGMD VCEP threshold (0.0001), meeting this criterion (PM2_Supporting). The computational predictor REVEL gives a score of 0.84, evidence which correlates with impact to CAPN3 function (PP3). In summary, this variant meets the criteria to be classified as Pathogenic for autosomal recessive limb girdle muscular dystrophy based on the ACMG/AMP criteria applied, as specified by the ClinGen LGMD VCEP (LGMD VCEP specifications version 1.0.0; 06/25/2025): PM3_Strong, PP4_Strong, PM2_Supporting, PP3.

Natera, Inc.
Classification: Likely pathogenic for Limb-girdle muscular dystrophy type 2A. Last evaluated: 2026-01-29. Review status: criteria provided, single submitter. Criteria: Natera Variant Classification Schema (03/2026). Collection method: clinical testing. Allele origin: germline. Not counted in ClinVar's aggregate classification.
Comment: The c.2148G>T variant in CAPN3 is a missense variant predicted to cause substitution of glutamic acid to aspartic acid at amino acid 716. This variant is rare in the general population with a frequency below the threshold expected for the associated phenotype(s). This variant has been observed in one or more individuals affected with the associated recessive disease, as either homozygous or compound heterozygous with a second variant (PMID: 15689361, 40237364, 29797799, 37526466). This variant has been identified in one or more affected individuals with a phenotype highly consistent with the associated gene (PMID: 15689361). Computational prediction algorithms indicate this variant is likely to affect gene or protein function. Given the available evidence, this variant is classified as Likely Pathogenic.

Labcorp Genetics (formerly Invitae), Labcorp
Classification: Likely pathogenic for Autosomal recessive limb-girdle muscular dystrophy type 2A. Last evaluated: 2026-01-11. Review status: criteria provided, single submitter. Criteria: Invitae Variant Classification Sherloc (09022015). Collection method: clinical testing. Allele origin: germline. Not counted in ClinVar's aggregate classification.
Comment: This sequence change replaces glutamic acid, which is acidic and polar, with aspartic acid, which is acidic and polar, at codon 716 of the CAPN3 protein (p.Glu716Asp). This variant is not present in population databases (gnomAD no frequency). This missense change has been observed in individual(s) with autosomal recessive limb-girdle muscular dystrophy (PMID: 15689361; internal data). In at least one individual the data is consistent with being in trans (on the opposite chromosome) from a pathogenic variant. ClinVar contains an entry for this variant (Variation ID: 285340). Invitae Evidence Modeling of protein sequence and biophysical properties (such as structural, functional, and spatial information, amino acid conservation, physicochemical variation, residue mobility, and thermodynamic stability) indicates that this missense variant is not expected to disrupt CAPN3 protein function with a negative predictive value of 80%. In summary, the currently available evidence indicates that the variant is pathogenic, but additional data are needed to prove that conclusively. Therefore, this variant has been classified as Likely Pathogenic.

Fulgent Genetics
Classification: Likely pathogenic for Autosomal recessive limb-girdle muscular dystrophy type 2A; Muscular dystrophy, limb-girdle, autosomal dominant 4. Last evaluated: 2024-03-13. Review status: criteria provided, single submitter. Criteria: ACMG Guidelines, 2015. Collection method: clinical testing. Allele origin: germline. Not counted in ClinVar's aggregate classification.

Baylor Genetics
Classification: Pathogenic for Muscular dystrophy, limb-girdle, autosomal dominant 4. Last evaluated: 2023-10-31. Review status: criteria provided, single submitter. Criteria: ACMG Guidelines, 2015. Collection method: clinical testing. Allele origin: unknown. Not counted in ClinVar's aggregate classification.

Laboratory of Medical Genetics, National & Kapodistrian University of Athens
Classification: Likely pathogenic for Autosomal recessive limb-girdle muscular dystrophy type 2A. Last evaluated: 2022-07-14. Review status: criteria provided, single submitter. Criteria: ACMG Guidelines, 2015. Collection method: clinical testing. Allele origin: germline. Affected: yes. Not counted in ClinVar's aggregate classification.
Comment: PM2, PM3, PP2, PP3, PP5

Revvity Omics, Revvity
Classification: Likely pathogenic. Last evaluated: 2019-01-15. Review status: criteria provided, single submitter. Criteria: ACMG Guidelines, 2015. Collection method: clinical testing. Allele origin: germline. Not counted in ClinVar's aggregate classification.

Eurofins Ntd Llc (ga)
Classification: Likely pathogenic. Last evaluated: 2018-03-05. Review status: criteria provided, single submitter. Criteria: EGL ClinVar v180209 classification definitions. Collection method: clinical testing. Allele origin: germline. Observed: 3 variant alleles, 3 heterozygotes. Not counted in ClinVar's aggregate classification.

GeneDx
Classification: Pathogenic. Last evaluated: 2017-05-31. Review status: criteria provided, single submitter. Criteria: GeneDx Variant Classification (06012015). Collection method: clinical testing. Allele origin: germline. Affected: yes. Not counted in ClinVar's aggregate classification.
Comment: The E716D missense variant has been reported previously in a patient with LGMD2A who also harbored a second CAPN3 variant; however phase was undetermined (Saenz et al., 2005). Functional studies demonstrate a complete loss of the CAPN3 protein in this patient (Saenz et al., 2005). The E716D variant is not observed in large population cohorts (Lek et al., 2016; 1000 Genomes Consortium et al., 2015; Exome Variant Server). The E716D variant is a conservative amino acid substitution, which is not likely to impact secondary protein structure as these residues share similar properties. However, this substitution occurs at a position that is conserved across species. Additionally, a missense variant in a nearby residue (L712F) has been reported in the Human Gene Mutation Database in association with LGMD (Stenson et al., 2014). Therefore, we interpret E716D as a pathogenic variant.

Counsyl
Classification: Uncertain significance for Autosomal recessive limb-girdle muscular dystrophy type 2A. Last evaluated: 2017-10-07. Review status: no assertion criteria provided. Collection method: clinical testing. Allele origin: unknown. Not counted in ClinVar's aggregate classification.

Literature cited by the submitters: PubMed 15689361 (cited by 4 submitters); PubMed 40237364 (cited by Natera, Inc.); PubMed 29797799 (cited by Natera, Inc.); PubMed 37526466 (cited by Natera, Inc.).